The following is an entry in ClinVar:

ClinVar aggregate classification (germline): Uncertain significance (1 of 4 stars; one submission).

Conditions:
Primary dilated cardiomyopathy (DCM). Also called: Dilated Cardiomyopathy. Identifiers: Orphanet 217604, MedGen C0007193, MeSH D002311, MONDO:0005021, HP:0001644. Inheritance: Various modes of inheritance.

Allele frequency attached by ClinVar (database versions not stated): gnomAD exomes 0.00001; ExAC 0.00002.
gnomAD v4.1: 3 of 1,612,408 alleles (0.00019%); highest among the groups gnomAD compares: Middle Eastern, 0.05%; no homozygotes.

Submission:

Labcorp Genetics (formerly Invitae), Labcorp
Classification: Uncertain significance for Primary dilated cardiomyopathy. Last evaluated: 2024-04-24. Review status: criteria provided, single submitter. Criteria: Invitae Variant Classification Sherloc (09022015). Collection method: clinical testing. Allele origin: germline.
Comment: This sequence change creates a premature translational stop signal (p.Leu286*) in the NEBL gene. It is expected to result in an absent or disrupted protein product. However, the current clinical and genetic evidence is not sufficient to establish whether loss-of-function variants in NEBL cause disease. This variant is present in population databases (rs752717041, gnomAD 0.002%). This variant has not been reported in the literature in individuals affected with NEBL-related conditions. ClinVar contains an entry for this variant (Variation ID: 578657). In summary, the available evidence is currently insufficient to determine the role of this variant in disease. Therefore, it has been classified as a Variant of Uncertain Significance.

NM_006393.3(NEBL):c.857T>A (p.Leu286Ter)

Gene: NEBL (nebulette; minus strand). Cytogenetic location: 10p12.31.
Variant type: single nucleotide variant.
Coding change: c.857T>A on transcript NM_006393.3 (MANE Select); coding-DNA position 857, T replaced by A.
Protein change: p.Leu286Ter; replaces leucine 286 with a stop codon.
Molecular consequence: nonsense. On other transcripts: intron variant (9).
Genome position (GRCh38, 1-based): chr10:20,858,286, A>T on the plus strand (T>A on the coding strand, the complement: NEBL is on the minus strand). VCF-style: chr10-20858286-A-T. GRCh37 (hg19) VCF-style: chr10-21147215-A-T.
Other names: c.250-45346T>A (NM_001377326.1, NM_001377327.1, NM_001377328.1); c.358-45346T>A (NM_213569.2, NM_001173484.2, NM_001377322.1); c.301-45346T>A (NM_001377324.1); c.292-45346T>A (NM_001377325.1); c.310-45346T>A (NM_001377323.1); short protein forms L286*.
Identifiers: ClinVar variation 578657 (VCV000578657.6), dbSNP rs752717041, ClinGen allele CA5433077.
Genomic context (GRCh38, chr10:20,858,286, plus strand): 5'-GATGAACCACTTACGCCGCTGAGCATTTTGCTGGCTTTCAAAACATGGTCTAAAAACAAC[A>T]AATTTGGGAGATCTGAAACTGGATCATGCATATTTTGAATGTCTTTCTTGTACTTCACCT-3'